The following is an entry in ClinVar:

ClinVar aggregate classification (germline): Uncertain significance (1 of 4 stars; one submission).

Submission:

Labcorp Genetics (formerly Invitae), Labcorp
Classification: Uncertain significance. Last evaluated: 2025-06-22. Review status: criteria provided, single submitter. Criteria: Invitae Variant Classification Sherloc (09022015). Collection method: clinical testing. Allele origin: germline.
Comment: This sequence change replaces methionine, which is neutral and non-polar, with valine, which is neutral and non-polar, at codon 161 of the KIF23 protein (p.Met161Val). This variant is not present in population databases (gnomAD no frequency). This variant has not been reported in the literature in individuals affected with KIF23-related conditions. An algorithm developed to predict the effect of missense changes on protein structure and function (PolyPhen-2) suggests that this variant is likely to be tolerated. In summary, the available evidence is currently insufficient to determine the role of this variant in disease. Therefore, it has been classified as a Variant of Uncertain Significance.

NM_001367805.3(KIF23):c.481A>G (p.Met161Val)

Gene: KIF23 (kinesin family member 23; plus strand). Cytogenetic location: 15q23.
Variant type: single nucleotide variant.
Coding change: c.481A>G on transcript NM_001367805.3 (MANE Select); coding-DNA position 481, A replaced by G.
Protein change: p.Met161Val; replaces methionine 161 with valine.
Molecular consequence: missense variant. On other transcripts: non-coding transcript variant (2).
Genome position (GRCh38, 1-based): chr15:69,422,353, A>G. VCF-style: chr15-69422353-A-G. GRCh37 (hg19) VCF-style: chr15-69714692-A-G.
Other names: c.151A>G, p.Met51Val (NM_001281301.2); c.481A>G, p.Met161Val (NM_001367804.2, NM_004856.7, NM_138555.4); short protein forms M51V, M161V.
Identifiers: ClinVar variation 4721889 (VCV004721889.1).